The following is an entry in ClinVar:

ClinVar aggregate classification (germline): Conflicting classifications of pathogenicity. Review status: criteria provided, conflicting classifications (1 of 4 stars). 4 submissions from 4 submitters: Uncertain significance (1); Benign (1); Likely benign (1). 1 of the submissions does not count toward it. Last evaluated 2025-11-18.

Conditions:
Inborn genetic diseases. Identifiers: MedGen C0950123, MeSH D030342.
GPR179-related disorder. Also called: GPR179-related condition.

Allele frequency attached by ClinVar (database versions not stated): gnomAD exomes 0.00042; ExAC 0.00049; 1000 Genomes Project 30x 0.00094; 1000 Genomes Project 0.00120; ESP Exome Variant Server 0.00156; gnomAD 0.00174 and 0.00193; TOPMed 0.00190.
gnomAD v4.1: 497 of 1,608,910 alleles (0.031%); highest among the groups gnomAD compares: African/African-American, 0.61%; 3 homozygotes.

Submissions (4):

Labcorp Genetics (formerly Invitae), Labcorp
Classification: Benign. Last evaluated: 2025-11-18. Review status: criteria provided, single submitter. Criteria: Invitae Variant Classification Sherloc (09022015). Collection method: clinical testing. Allele origin: germline.

Ambry Genetics
Classification: Uncertain significance for Inborn genetic diseases. Last evaluated: 2025-05-09. Review status: criteria provided, single submitter. Criteria: Ambry Variant Classification Scheme 2023. Collection method: clinical testing. Allele origin: germline.

Blueprint Genetics
Classification: Likely benign. Last evaluated: 2024-11-27. Review status: criteria provided, single submitter. Criteria: ACMG Guidelines, 2015. Collection method: clinical testing. Allele origin: germline.

PreventionGenetics, part of Exact Sciences
Classification: Likely benign for GPR179-related condition. Last evaluated: 2019-08-02. Review status: no assertion criteria provided. Collection method: clinical testing. Allele origin: germline. Not counted in ClinVar's aggregate classification.
Comment: This variant is classified as likely benign based on ACMG/AMP sequence variant interpretation guidelines (Richards et al. 2015 PMID: 25741868, with internal and published modifications).

NM_001004334.4(GPR179):c.5089T>G (p.Leu1697Val)

Gene: GPR179 (G protein-coupled receptor 179; minus strand). Cytogenetic location: 17q12.
Variant type: single nucleotide variant.
Coding change: c.5089T>G on transcript NM_001004334.4 (MANE Select); coding-DNA position 5089, T replaced by G.
Protein change: p.Leu1697Val; replaces leucine 1697 with valine.
Molecular consequence: missense variant.
Genome position (GRCh38, 1-based): chr17:38,328,480, A>C on the plus strand (T>G on the coding strand, the complement: GPR179 is on the minus strand). VCF-style: chr17-38328480-A-C. GRCh37 (hg19) VCF-style: chr17-36484363-A-C.
Other names: c.5089T>G (NM_001004334.2, NM_001004334.3); short protein forms L1697V.
Identifiers: ClinVar variation 1167422 (VCV001167422.13), dbSNP rs202030098, ClinGen allele CA290103768.